The following is an entry in ClinVar:

ClinVar aggregate classification (germline): Likely benign (1 of 4 stars; one submission).

Submission:

CeGaT Center for Human Genetics Tuebingen
Classification: Likely benign. Last evaluated: 2026-06-01. Review status: criteria provided, single submitter. Criteria: CeGaT Center For Human Genetics Tuebingen Variant Classification Criteria Version 2. Collection method: clinical testing. Allele origin: germline. Affected: yes. Observed: 3 variant alleles.
Comment: UBC: BP4, BP7, BS2

NM_021009.7(UBC):c.1653G>C (p.Pro551=)

Gene: UBC (ubiquitin C; minus strand). Cytogenetic location: 12q24.31.
Variant type: single nucleotide variant.
Coding change: c.1653G>C on transcript NM_021009.7 (MANE Select); coding-DNA position 1653, G replaced by C.
Protein change: p.Pro551=; no amino-acid change (proline 551 retained).
Molecular consequence: synonymous variant.
Genome position (GRCh38, 1-based): chr12:124,912,119, C>G on the plus strand (G>C on the coding strand, the complement: UBC is on the minus strand). VCF-style: chr12-124912119-C-G. GRCh37 (hg19) VCF-style: chr12-125396665-C-G.
Identifiers: ClinVar variation 3905199 (VCV003905199.10).